The following is an entry in ClinVar:

ClinVar aggregate classification (germline): Uncertain significance (1 of 4 stars; one submission).

gnomAD v4.1: 1 of 1,613,950 alleles (0.000062%); highest among the groups gnomAD compares: Non-Finnish European, 0.000085%; no homozygotes.

Submission:

Labcorp Genetics (formerly Invitae), Labcorp
Classification: Uncertain significance. Last evaluated: 2024-12-31. Review status: criteria provided, single submitter. Criteria: Invitae Variant Classification Sherloc (09022015). Collection method: clinical testing. Allele origin: germline.
Comment: This sequence change replaces arginine, which is basic and polar, with glutamine, which is neutral and polar, at codon 587 of the CLTC protein (p.Arg587Gln). This variant is not present in population databases (gnomAD no frequency). This variant has not been reported in the literature in individuals affected with CLTC-related conditions. Invitae Evidence Modeling of protein sequence and biophysical properties (such as structural, functional, and spatial information, amino acid conservation, physicochemical variation, residue mobility, and thermodynamic stability) indicates that this missense variant is not expected to disrupt CLTC protein function with a negative predictive value of 80%. In summary, the available evidence is currently insufficient to determine the role of this variant in disease. Therefore, it has been classified as a Variant of Uncertain Significance.

NM_004859.4(CLTC):c.1748G>A (p.Arg583Gln)

Gene: CLTC (clathrin heavy chain; plus strand). Cytogenetic location: 17q23.1.
Variant type: single nucleotide variant.
Coding change: c.1748G>A on transcript NM_004859.4 (MANE Select); coding-DNA position 1748, G replaced by A.
Protein change: p.Arg583Gln; replaces arginine 583 with glutamine.
Molecular consequence: missense variant.
Genome position (GRCh38, 1-based): chr17:59,666,206, G>A. VCF-style: chr17-59666206-G-A. GRCh37 (hg19) VCF-style: chr17-57743567-G-A.
Other names: c.1760G>A, p.Arg587Gln (NM_001288653.2); short protein forms R587Q, R583Q.
Identifiers: ClinVar variation 3679662 (VCV003679662.2).